The following is an entry in ClinVar:

ClinVar aggregate classification (germline): Benign. Review status: criteria provided, multiple submitters, no conflicts (2 of 4 stars). 4 submissions from 4 submitters: Benign (4). Last evaluated 2026-02-03.

Allele frequency attached by ClinVar (database versions not stated): gnomAD exomes 0.00056 and 0.00123; ExAC 0.00133; 1000 Genomes Project 0.00479; gnomAD 0.00563 and 0.00603; 1000 Genomes Project 30x 0.00625; TOPMed 0.00667.
gnomAD v4.1: 1,671 of 1,550,654 alleles (0.11%); highest among the groups gnomAD compares: African/African-American, 2%; 27 homozygotes.

Submissions (4):

Labcorp Genetics (formerly Invitae), Labcorp
Classification: Benign. Last evaluated: 2026-02-03. Review status: criteria provided, single submitter. Criteria: Invitae Variant Classification Sherloc (09022015). Collection method: clinical testing. Allele origin: germline.

GeneDx
Classification: Benign. Last evaluated: 2019-02-28. Review status: criteria provided, single submitter. Criteria: GeneDx Variant Classification Process June 2021. Collection method: clinical testing. Allele origin: germline. Affected: yes.

Laboratory for Molecular Medicine, Mass General Brigham Personalized Medicine
Classification: Benign. Last evaluated: 2014-11-24. Review status: criteria provided, single submitter. Criteria: LMM Criteria. Collection method: clinical testing. Allele origin: germline. Observed: 4 variant alleles.
Comment: Thr417Thr in exon 11 of OTOG: This variant is not expected to have clinical sign ificance because it does not alter an amino acid residue and is not located with in the splice consensus sequence. It has been identified in 1.2% (6/492) of Afri can chromosomes from a broad population by the 1000 Genomes Project (.; dbSNP rs73418062).

Breakthrough Genomics
Classification: Benign. Review status: criteria provided, single submitter. Criteria: ACMG Guidelines, 2015. Collection method: not provided. Allele origin: germline. Inheritance: Autosomal recessive inheritance. Affected: yes.

NM_001292063.2(OTOG):c.1215T>C (p.Thr405=)

Gene: OTOG (otogelin; plus strand). Cytogenetic location: 11p15.1.
Variant type: single nucleotide variant.
Coding change: c.1215T>C on transcript NM_001292063.2 (MANE Select); coding-DNA position 1215, T replaced by C.
Protein change: p.Thr405=; no amino-acid change (threonine 405 retained).
Molecular consequence: synonymous variant.
Genome position (GRCh38, 1-based): chr11:17,559,535, T>C. VCF-style: chr11-17559535-T-C. GRCh37 (hg19) VCF-style: chr11-17581082-T-C.
Other names: c.1251T>C, p.Thr417= (NM_001277269.2).
Identifiers: ClinVar variation 226862 (VCV000226862.16), dbSNP rs73418062, ClinGen allele CA5905468.